The following is an entry in ClinVar:

ClinVar aggregate classification (germline): Pathogenic (1 of 4 stars; one submission).

Submission:

Labcorp Genetics (formerly Invitae), Labcorp
Classification: Pathogenic. Last evaluated: 2023-08-17. Review status: criteria provided, single submitter. Criteria: Invitae Variant Classification Sherloc (09022015). Collection method: clinical testing. Allele origin: germline.
Comment: For these reasons, this variant has been classified as Pathogenic. Algorithms developed to predict the effect of sequence changes on RNA splicing suggest that this variant may disrupt the consensus splice site. ClinVar contains an entry for this variant (Variation ID: 1070068). This variant has not been reported in the literature in individuals affected with USH2A-related conditions. This variant is present in population databases (no rsID available, gnomAD 0.0009%). This sequence change creates a premature translational stop signal (p.Tyr3623*) in the USH2A gene. It is expected to result in an absent or disrupted protein product. Loss-of-function variants in USH2A are known to be pathogenic (PMID: 10729113, 10909849, 20507924, 25649381).

Literature cited by the submitters: PubMed 10729113; PubMed 10909849; PubMed 20507924; PubMed 25649381.

NM_206933.4(USH2A):c.10869_10871del (p.Tyr3623_Gln3624delinsTer)

Gene: USH2A (usherin; minus strand). Cytogenetic location: 1q41.
Variant type: Deletion.
Coding change: c.10869_10871del on transcript NM_206933.4 (MANE Select); coding-DNA positions 10869 to 10871, 3 bases deleted (CCA; older notation c.10869_10871delCCA).
Protein change: p.Tyr3623_Gln3624delinsTer.
Molecular consequence: nonsense.
Genome position (GRCh38, 1-based): chr1:215,779,911-215,779,913, TGG deleted on the plus strand (CCA on the coding strand, the reverse complement: USH2A is on the minus strand); deleting any 3 consecutive bases within chr1:215,779,911-215,779,914 gives the same sequence; the c. name uses the placement nearest the transcript's 3' end. VCF-style (leftmost placement, unchanged base first): chr1-215779910-CTGG-C. GRCh37 (hg19) VCF-style: chr1-215953252-CTGG-C.
Identifiers: ClinVar variation 1070068 (VCV001070068.8), dbSNP rs1167455690, ClinGen allele CA529002319.